The following is an entry in ClinVar:

NM_006351.4(TIMM44):c.771G>C (p.Arg257=)

Gene: TIMM44 (translocase of inner mitochondrial membrane 44; minus strand). Cytogenetic location: 19p13.2.
Variant type: single nucleotide variant.
Coding change: c.771G>C on transcript NM_006351.4 (MANE Select); coding-DNA position 771, G replaced by C.
Protein change: p.Arg257=; no amino-acid change (arginine 257 retained).
Molecular consequence: synonymous variant.
Genome position (GRCh38, 1-based): chr19:7,932,931, C>G on the plus strand (G>C on the coding strand, the complement: TIMM44 is on the minus strand). VCF-style: chr19-7932931-C-G. GRCh37 (hg19) VCF-style: chr19-7997816-C-G.
Identifiers: ClinVar variation 387920 (VCV000387920.1), dbSNP rs1057522943, ClinGen allele CA16608322.

ClinVar aggregate classification (germline): Likely benign (1 of 4 stars; one submission).

Allele frequency attached by ClinVar (database versions not stated): gnomAD exomes below 0.00001.
gnomAD v4.1: 1 of 1,613,914 alleles (0.000062%); no homozygotes.

Submission:

GeneDx
Classification: Likely benign. Last evaluated: 2016-08-01. Review status: criteria provided, single submitter. Criteria: GeneDx Variant Classification (06012015). Collection method: clinical testing. Allele origin: germline. Affected: yes.
Comment: This variant is considered likely benign or benign based on one or more of the following criteria: it is a conservative change, it occurs at a poorly conserved position in the protein, it is predicted to be benign by multiple in silico algorithms, and/or has population frequency not consistent with disease.